The following is an entry in ClinVar:

NM_004655.4(AXIN2):c.1521C>G (p.Thr507=)

Gene: AXIN2 (axin 2; minus strand). Cytogenetic location: 17q24.1.
Variant type: single nucleotide variant.
Coding change: c.1521C>G on transcript NM_004655.4 (MANE Select); coding-DNA position 1521, C replaced by G.
Protein change: p.Thr507=; no amino-acid change (threonine 507 retained).
Molecular consequence: synonymous variant.
Genome position (GRCh38, 1-based): chr17:65,537,515, G>C on the plus strand (C>G on the coding strand, the complement: AXIN2 is on the minus strand). VCF-style: chr17-65537515-G-C. GRCh37 (hg19) VCF-style: chr17-63533633-G-C.
Other names: c.1521C>G, p.Thr507= (NM_001363813.1).
Identifiers: ClinVar variation 742733 (VCV000742733.11), dbSNP rs1317740172, ClinGen allele CA501691497.

ClinVar aggregate classification (germline): Benign/Likely benign. Review status: criteria provided, multiple submitters, no conflicts (2 of 4 stars). 3 submissions from 3 submitters: Benign (1); Likely benign (2). Last evaluated 2026-08-31.

Conditions:
Hereditary cancer-predisposing syndrome. Also called: Tumor predisposition; Hereditary Cancer Syndrome; Neoplastic Syndromes, Hereditary; Hereditary neoplastic syndrome. Identifiers: Orphanet 140162, MedGen C0027672, MeSH D009386, MONDO:0015356.
Oligodontia-cancer predisposition syndrome. Also called: TOOTH AGENESIS-COLORECTAL CANCER SYNDROME. Identifiers: Orphanet 300576, MedGen C1837750, MONDO:0012075, OMIM 608615. Disease mechanism: loss of function.

Submissions (3):

Ambry Genetics
Classification: Likely benign for Hereditary cancer-predisposing syndrome. Last evaluated: 2026-08-31. Review status: criteria provided, single submitter. Criteria: Ambry Variant Classification Scheme 2023. Collection method: clinical testing. Allele origin: germline.

Labcorp Genetics (formerly Invitae), Labcorp
Classification: Likely benign for Oligodontia-cancer predisposition syndrome. Last evaluated: 2024-08-06. Review status: criteria provided, single submitter. Criteria: Invitae Variant Classification Sherloc (09022015). Collection method: clinical testing. Allele origin: germline.

Myriad Genetics, Inc.
Classification: Benign for Oligodontia-cancer predisposition syndrome. Last evaluated: 2024-07-03. Review status: criteria provided, single submitter. Criteria: Myriad Autosomal Dominant, Autosomal Recessive and X-Linked Classification Criteria (2023). Collection method: clinical testing. Allele origin: unknown.
Comment: This variant is considered benign. This variant is a silent/synonymous amino acid change and it is not expected to impact splicing.